The following is an entry in ClinVar:

ClinVar aggregate classification (germline): Pathogenic (1 of 4 stars; one submission).

Allele frequency attached by ClinVar (database versions not stated): TOPMed below 0.00001; gnomAD exomes below 0.00001.

Submission:

Labcorp Genetics (formerly Invitae), Labcorp
Classification: Pathogenic. Last evaluated: 2026-02-01. Review status: criteria provided, single submitter. Criteria: Invitae Variant Classification Sherloc (09022015). Collection method: clinical testing. Allele origin: germline.
Comment: This sequence change creates a premature translational stop signal (p.Tyr1423*) in the TTC37 gene. It is expected to result in an absent or disrupted protein product. Loss-of-function variants in TTC37 are known to be pathogenic (PMID: 20176027, 21120949). This variant is not present in population databases (gnomAD no frequency). This variant has not been reported in the literature in individuals affected with TTC37-related conditions. ClinVar contains an entry for this variant (Variation ID: 3006444). For these reasons, this variant has been classified as Pathogenic.

Literature cited by the submitters: PubMed 20176027; PubMed 21120949.

NM_014639.4(SKIC3):c.4268dup (p.Tyr1423Ter)

Gene: SKIC3 (SKI3 subunit of superkiller complex; minus strand). Cytogenetic location: 5q15.
Variant type: Duplication.
Coding change: c.4268dup on transcript NM_014639.4 (MANE Select); coding-DNA position 4268, one base duplicated (A; older notation c.4268dupA).
Protein change: p.Tyr1423Ter; replaces tyrosine 1423 with a stop codon.
Molecular consequence: nonsense.
Genome position (GRCh38, 1-based): chr5:95,478,387, T duplicated on the plus strand (A on the coding strand, the reverse complement: SKIC3 is on the minus strand). VCF-style (leftmost placement, unchanged base first): chr5-95478386-G-GT. GRCh37 (hg19) VCF-style: chr5-94814090-G-GT.
Other names: short protein forms Y1423*.
Identifiers: ClinVar variation 3006444 (VCV003006444.3), dbSNP rs1746312450, ClinGen allele CA1565008331.